The following is an entry in ClinVar:

NM_001384732.1(CPLANE1):c.5899G>A (p.Gly1967Ser)

Gene: CPLANE1 (ciliogenesis and planar polarity effector complex subunit 1; minus strand). Cytogenetic location: 5p13.2.
Variant type: single nucleotide variant.
Coding change: c.5899G>A on transcript NM_001384732.1 (MANE Select); coding-DNA position 5899, G replaced by A.
Protein change: p.Gly1967Ser; replaces glycine 1967 with serine.
Molecular consequence: missense variant.
Genome position (GRCh38, 1-based): chr5:37,177,622, C>T on the plus strand (G>A on the coding strand, the complement: CPLANE1 is on the minus strand). VCF-style: chr5-37177622-C-T. GRCh37 (hg19) VCF-style: chr5-37177724-C-T.
Other names: c.5899G>A, p.Gly1967Ser (NM_023073.4); short protein forms G1967S.
Identifiers: ClinVar variation 2024526 (VCV002024526.1), dbSNP rs538462107, ClinGen allele CA3238418.

ClinVar aggregate classification (germline): Uncertain significance (1 of 4 stars; one submission).

Allele frequency attached by ClinVar (database versions not stated): gnomAD 0.00001; gnomAD exomes 0.00001; ExAC 0.00003; 1000 Genomes Project 30x 0.00016; 1000 Genomes Project 0.00020.
gnomAD v4.1: 23 of 1,612,346 alleles (0.0014%); highest among the groups gnomAD compares: Middle Eastern, 0.033%; no homozygotes.

Submission:

Labcorp Genetics (formerly Invitae), Labcorp
Classification: Uncertain significance. Last evaluated: 2022-02-06. Review status: criteria provided, single submitter. Criteria: Invitae Variant Classification Sherloc (09022015). Collection method: clinical testing. Allele origin: germline.
Comment: This sequence change replaces glycine, which is neutral and non-polar, with serine, which is neutral and polar, at codon 1967 of the CPLANE1 protein (p.Gly1967Ser). This variant is present in population databases (rs538462107, gnomAD 0.004%). This variant has not been reported in the literature in individuals affected with CPLANE1-related conditions. Algorithms developed to predict the effect of missense changes on protein structure and function output the following: SIFT: "Tolerated"; PolyPhen-2: "Benign"; Align-GVGD: "Class C0". The serine amino acid residue is found in multiple mammalian species, which suggests that this missense change does not adversely affect protein function. In summary, the available evidence is currently insufficient to determine the role of this variant in disease. Therefore, it has been classified as a Variant of Uncertain Significance.